The following is an entry in ClinVar:

ClinVar aggregate classification (germline): Likely pathogenic (1 of 4 stars; one submission).

Conditions:
Hereditary angioedema type 1 (HAE1). Identifiers: Orphanet 100050, Orphanet 100051, Orphanet 91378, MedGen C2717906, MONDO:0015053, OMIM 106100.

Submission:

DNA-diagnostics Laboratory, Research Centre For Medical Genetics
Classification: Likely pathogenic for Hereditary angioedema type 1. Last evaluated: 2024-07-27. Review status: criteria provided, single submitter. Criteria: ACMG Guidelines, 2015. Collection method: research. Allele origin: germline. Inheritance: Autosomal dominant inheritance. Affected: yes. Observed: 1 heterozygote.
Comment: According to our observation the c.1325delA variant in SERPING1 meets ACMG/ClinGen SVI guidance criteria to be classified as likely pathogenic: PVS1_Str, PP4_Mod, PM2_Sup

NM_000062.3(SERPING1):c.1325del (p.Gln442fs)

Gene: SERPING1 (serpin family G member 1; plus strand). Cytogenetic location: 11q12.1.
Variant type: Deletion.
Coding change: c.1325del on transcript NM_000062.3 (MANE Select); coding-DNA position 1325, one base deleted (A; older notation c.1325delA).
Protein change: p.Gln442fs; shifts the reading frame from glutamine 442.
Molecular consequence: frameshift variant.
Genome position (GRCh38, 1-based): chr11:57,614,403, A deleted. VCF-style (leftmost placement, unchanged base first): chr11-57614402-CA-C. GRCh37 (hg19) VCF-style: chr11-57381875-CA-C.
Other names: c.1325del, p.Gln442fs (NM_001032295.2); c.1325delA (NM_000062.3); short protein forms Q442fs.
Identifiers: ClinVar variation 3256132 (VCV003256132.2).